The following is an entry in ClinVar:

NM_001142800.2(EYS):c.3446G>A (p.Cys1149Tyr)

Gene: EYS (EGF-like photoreceptor maintenance factor; minus strand). Cytogenetic location: 6q12.
Variant type: single nucleotide variant.
Coding change: c.3446G>A on transcript NM_001142800.2 (MANE Select); coding-DNA position 3446, G replaced by A.
Protein change: p.Cys1149Tyr; replaces cysteine 1149 with tyrosine.
Molecular consequence: missense variant.
Genome position (GRCh38, 1-based): chr6:64,626,243, C>T on the plus strand (G>A on the coding strand, the complement: EYS is on the minus strand). VCF-style: chr6-64626243-C-T. GRCh37 (hg19) VCF-style: chr6-65336136-C-T.
Other names: c.3446G>A, p.Cys1149Tyr (NM_001292009.2); short protein forms C1149Y.
Identifiers: ClinVar variation 855503 (VCV000855503.27), dbSNP rs1315175190, ClinGen allele CA364785533.

ClinVar aggregate classification (germline): Uncertain significance. Review status: criteria provided, multiple submitters, no conflicts (2 of 4 stars). 5 submissions from 5 submitters: Uncertain significance (4). 1 of the submissions does not count toward it. Last evaluated 2025-04-20.

Conditions:
Inborn genetic diseases. Identifiers: MedGen C0950123, MeSH D030342.
Retinitis pigmentosa 25 (RP25). Identifiers: Orphanet 791, MedGen C1864446, MONDO:0011272, OMIM 602772.

Allele frequency attached by ClinVar (database versions not stated): gnomAD exomes 0.00002; gnomAD 0.00005; TOPMed 0.00006.
gnomAD v4.1: 55 of 1,519,402 alleles (0.0036%); highest among the groups gnomAD compares: Non-Finnish European, 0.0045%; no homozygotes.

Submissions (5):

Ambry Genetics
Classification: Uncertain significance for Inborn genetic diseases. Last evaluated: 2025-04-20. Review status: criteria provided, single submitter. Criteria: Ambry Variant Classification Scheme 2023. Collection method: clinical testing. Allele origin: germline.

CeGaT Center for Human Genetics Tuebingen
Classification: Uncertain significance. Last evaluated: 2024-01-01. Review status: criteria provided, single submitter. Criteria: CeGaT Center For Human Genetics Tuebingen Variant Classification Criteria Version 2. Collection method: clinical testing. Allele origin: germline. Affected: yes. Observed: 2 variant alleles.
Comment: EYS: PM2

Labcorp Genetics (formerly Invitae), Labcorp
Classification: Uncertain significance. Last evaluated: 2022-08-31. Review status: criteria provided, single submitter. Criteria: Invitae Variant Classification Sherloc (09022015). Collection method: clinical testing. Allele origin: germline.
Comment: This sequence change replaces cysteine, which is neutral and slightly polar, with tyrosine, which is neutral and polar, at codon 1149 of the EYS protein (p.Cys1149Tyr). The frequency data for this variant in the population databases is considered unreliable, as metrics indicate poor data quality at this position in the gnomAD database. This variant has not been reported in the literature in individuals affected with EYS-related conditions. ClinVar contains an entry for this variant (Variation ID: 855503). Algorithms developed to predict the effect of missense changes on protein structure and function output the following: SIFT: "Deleterious"; PolyPhen-2: "Probably Damaging"; Align-GVGD: "Class C65". The tyrosine amino acid residue is found in multiple mammalian species, which suggests that this missense change does not adversely affect protein function. In summary, the available evidence is currently insufficient to determine the role of this variant in disease. Therefore, it has been classified as a Variant of Uncertain Significance.

Blueprint Genetics
Classification: Uncertain significance. Last evaluated: 2021-08-16. Review status: criteria provided, single submitter. Criteria: ACMG Guidelines, 2015. Collection method: clinical testing. Allele origin: germline.

Natera, Inc.
Classification: Uncertain significance for Retinitis pigmentosa type 25. Last evaluated: 2020-12-03. Review status: no assertion criteria provided. Collection method: clinical testing. Allele origin: germline. Not counted in ClinVar's aggregate classification.